The following is an entry in ClinVar:

ClinVar aggregate classification (germline): Uncertain significance (1 of 4 stars; one submission).

Submission:

Labcorp Genetics (formerly Invitae), Labcorp
Classification: Uncertain significance. Last evaluated: 2025-01-10. Review status: criteria provided, single submitter. Criteria: Invitae Variant Classification Sherloc (09022015). Collection method: clinical testing. Allele origin: germline.
Comment: This sequence change creates a premature translational stop signal (p.Lys452Glufs*8) in the KLF11 gene. While this is not anticipated to result in nonsense mediated decay, it is expected to disrupt the last 61 amino acid(s) of the KLF11 protein. This variant is present in population databases (rs779296815, gnomAD 0.006%). This variant has not been reported in the literature in individuals affected with KLF11-related conditions. In summary, the available evidence is currently insufficient to determine the role of this variant in disease. Therefore, it has been classified as a Variant of Uncertain Significance.

NM_003597.5(KLF11):c.1347_1348del (p.Lys452fs)

Gene: KLF11 (KLF transcription factor 11; plus strand). Cytogenetic location: 2p25.1.
Variant type: Deletion.
Coding change: c.1347_1348del on transcript NM_003597.5 (MANE Select); coding-DNA positions 1347 to 1348, 2 bases deleted (AG; older notation c.1347_1348delAG).
Protein change: p.Lys452fs; shifts the reading frame from lysine 452.
Molecular consequence: frameshift variant.
Genome position (GRCh38, 1-based): chr2:10,052,315-10,052,316, AG deleted. VCF-style (leftmost placement, unchanged base first): chr2-10052314-CAG-C. GRCh37 (hg19) VCF-style: chr2-10192441-CAG-C.
Other names: c.1296_1297del, p.Lys435fs (NM_001177716.2, NM_001177718.2); short protein forms K435fs, K452fs.
Identifiers: ClinVar variation 3624315 (VCV003624315.2).